The following is an entry in ClinVar:

ClinVar aggregate classification (germline): Uncertain significance (1 of 4 stars; one submission).

Conditions:
Werner syndrome (WRN). Identifiers: Orphanet 902, MedGen C0043119, MONDO:0010196, OMIM 277700.

gnomAD v4.1: 1 of 1,613,830 alleles (0.000062%); highest among the groups gnomAD compares: Admixed American, 0.0017%; no homozygotes.

Submission:

Labcorp Genetics (formerly Invitae), Labcorp
Classification: Uncertain significance for Werner syndrome. Last evaluated: 2021-08-10. Review status: criteria provided, single submitter. Criteria: Invitae Variant Classification Sherloc (09022015). Collection method: clinical testing. Allele origin: germline.
Comment: In summary, the available evidence is currently insufficient to determine the role of this variant in disease. Therefore, it has been classified as a Variant of Uncertain Significance. Algorithms developed to predict the effect of missense changes on protein structure and function are either unavailable or do not agree on the potential impact of this missense change (SIFT: "Not Available"; PolyPhen-2: "Probably Damaging"; Align-GVGD: "Not Available"). This variant has not been reported in the literature in individuals affected with WRN-related conditions. This variant is not present in population databases (ExAC no frequency). This sequence change replaces aspartic acid with histidine at codon 208 of the WRN protein (p.Asp208His). The aspartic acid residue is moderately conserved and there is a moderate physicochemical difference between aspartic acid and histidine.

NM_000553.6(WRN):c.622G>C (p.Asp208His)

Gene: WRN (WRN RecQ like helicase; plus strand). Cytogenetic location: 8p12.
Variant type: single nucleotide variant.
Coding change: c.622G>C on transcript NM_000553.6 (MANE Select); coding-DNA position 622, G replaced by C.
Protein change: p.Asp208His; replaces aspartic acid 208 with histidine.
Molecular consequence: missense variant.
Genome position (GRCh38, 1-based): chr8:31,067,150, G>C. VCF-style: chr8-31067150-G-C. GRCh37 (hg19) VCF-style: chr8-30924666-G-C.
Other names: short protein forms D208H.
Identifiers: ClinVar variation 1410432 (VCV001410432.6), dbSNP rs2130050397, ClinGen allele CA370916312.